The following is an entry in ClinVar:

ClinVar aggregate classification (germline): Conflicting classifications of pathogenicity. Review status: criteria provided, conflicting classifications (1 of 4 stars). 6 submissions from 6 submitters: Uncertain significance (1); Benign (2); Likely benign (3). Last evaluated 2025-10-29.

Conditions:
Episodic ataxia type 6. Identifiers: Orphanet 209967, MedGen C2675211, MONDO:0012982, OMIM 612656.

Allele frequency attached by ClinVar (database versions not stated): gnomAD 0.00013 and 0.00017; gnomAD exomes 0.00013 and 0.00039; TOPMed 0.00019; ExAC 0.00033; 1000 Genomes Project 0.00040; 1000 Genomes Project 30x 0.00062.
gnomAD v4.1: 221 of 1,614,052 alleles (0.014%); highest among the groups gnomAD compares: East Asian, 0.33%; no homozygotes.

Submissions (6):

Athena Diagnostics
Classification: Benign. Last evaluated: 2025-10-29. Review status: criteria provided, single submitter. Criteria: Athena Diagnostics Criteria. Collection method: clinical testing. Allele origin: unknown.
Comment: The frequency of this variant in the general population is higher than would generally be expected for pathogenic variants in this gene.

CeGaT Center for Human Genetics Tuebingen
Classification: Likely benign. Last evaluated: 2025-08-01. Review status: criteria provided, single submitter. Criteria: CeGaT Center For Human Genetics Tuebingen Variant Classification Criteria Version 2. Collection method: clinical testing. Allele origin: germline. Affected: yes. Observed: 1 variant allele.
Comment: SLC1A3: BS1

Labcorp Genetics (formerly Invitae), Labcorp
Classification: Likely benign. Last evaluated: 2024-10-23. Review status: criteria provided, single submitter. Criteria: Invitae Variant Classification Sherloc (09022015). Collection method: clinical testing. Allele origin: germline.

Blueprint Genetics
Classification: Likely benign. Last evaluated: 2024-01-18. Review status: criteria provided, single submitter. Criteria: ACMG Guidelines, 2015. Collection method: clinical testing. Allele origin: germline.

Revvity Omics, Revvity
Classification: Uncertain significance for Episodic ataxia type 6. Last evaluated: 2020-10-17. Review status: criteria provided, single submitter. Criteria: ACMG Guidelines, 2015. Collection method: clinical testing. Allele origin: germline.

Illumina Laboratory Services, Illumina
Classification: Benign for Episodic ataxia type 6. Last evaluated: 2018-01-12. Review status: criteria provided, single submitter. Criteria: ICSL Variant Classification Criteria 13 December 2019. Collection method: clinical testing. Allele origin: germline.
Comment: This variant was observed in the ICSL laboratory as part of a predisposition screen in an ostensibly healthy population. It had not been previously curated by ICSL or reported in the Human Gene Mutation Database (HGMD: prior to June 1st, 2018), and was therefore a candidate for classification through an automated scoring system. Utilizing variant allele frequency, disease prevalence and penetrance estimates, and inheritance mode, an automated score was calculated to assess if this variant is too frequent to cause the disease. Based on the score and internal cut-off values, a variant classified as benign is not then subjected to further curation. The score for this variant resulted in a classification of benign for this disease.

Literature cited by the submitters: PubMed 32741053 (cited by Athena Diagnostics); PubMed 29062094 (cited by Athena Diagnostics).

NM_004172.5(SLC1A3):c.985G>A (p.Ala329Thr)

Genes: SLC1A3 (solute carrier family 1 member 3; plus strand), SLC1A3-AS1 (SLC1A3 antisense RNA 1; minus strand). Cytogenetic location: 5p13.2.
Variant type: single nucleotide variant.
Coding change: c.985G>A on transcript NM_004172.5 (MANE Select); coding-DNA position 985, G replaced by A.
Protein change: p.Ala329Thr; replaces alanine 329 with threonine.
Molecular consequence: missense variant.
Genome position (GRCh38, 1-based): chr5:36,679,751, G>A. VCF-style: chr5-36679751-G-A. GRCh37 (hg19) VCF-style: chr5-36679853-G-A.
Other names: c.985G>A, p.Ala329Thr (NM_001166695.3); c.847G>A, p.Ala283Thr (NM_001289939.2); c.649G>A, p.Ala217Thr (NM_001289940.2); short protein forms A329T, A283T, A217T.
Identifiers: ClinVar variation 353320 (VCV000353320.27), dbSNP rs200243548, ClinGen allele CA3235588.